The following is an entry in ClinVar:

NM_001540.5(HSPB1):c.404C>T (p.Ser135Phe)

Gene: HSPB1 (heat shock protein family B (small) member 1; plus strand). Cytogenetic location: 7q11.23.
Variant type: single nucleotide variant.
Coding change: c.404C>T on transcript NM_001540.5 (MANE Select); coding-DNA position 404, C replaced by T.
Protein change: p.Ser135Phe; replaces serine 135 with phenylalanine.
Molecular consequence: missense variant.
Genome position (GRCh38, 1-based): chr7:76,303,841, C>T. VCF-style: chr7-76303841-C-T. GRCh37 (hg19) VCF-style: chr7-75933158-C-T.
Other names: c.404C>T, p.Ser135Phe (LRG_248t1); short protein forms S135F.
Identifiers: ClinVar variation 7478 (VCV000007478.13), dbSNP rs28939680, ClinGen allele CA118820.

ClinVar aggregate classification (germline): Pathogenic. Review status: criteria provided, multiple submitters, no conflicts (2 of 4 stars). 7 submissions from 6 submitters: Pathogenic (4). 3 of the submissions do not count toward it. Last evaluated 2025-11-27.

Conditions:
HSPB1-related disorder. Also called: HSPB1-related disorders; HSPB1-related condition.
Charcot-Marie-Tooth disease. Also called: Charcot-Marie-Tooth Neuropathy; Charcot-Marie-Tooth Hereditary Neuropathy. Identifiers: Orphanet 166, MedGen C0007959, MONDO:0015626.
Charcot-Marie-Tooth disease axonal type 2F (CMT2F). Also called: Charcot-Marie-Tooth Neuropathy Type 2F; CHARCOT-MARIE-TOOTH DISEASE, NEURONAL, TYPE 2F. Identifiers: Orphanet 99940, MedGen C1847823, MONDO:0011687, OMIM 606595.
Neuronopathy, distal hereditary motor, type 2B. Also called: NEURONOPATHY, DISTAL HEREDITARY MOTOR, AUTOSOMAL DOMINANT 3; NEURONOPATHY, DISTAL HEREDITARY MOTOR, HARDING TYPE IIB; NEUROPATHY, DISTAL HEREDITARY MOTOR, HARDING TYPE IIB; HMN IIB. Identifiers: Orphanet 139525, MedGen C2608087, MONDO:0012080, OMIM 608634.

Submissions (7):

Labcorp Genetics (formerly Invitae), Labcorp
Classification: Pathogenic for Charcot-Marie-Tooth disease axonal type 2F. Last evaluated: 2025-11-27. Review status: criteria provided, single submitter. Criteria: Invitae Variant Classification Sherloc (09022015). Collection method: clinical testing. Allele origin: germline.
Comment: This sequence change replaces serine, which is neutral and polar, with phenylalanine, which is neutral and non-polar, at codon 135 of the HSPB1 protein (p.Ser135Phe). This variant is not present in population databases (gnomAD no frequency). This missense change has been observed in individual(s) with autosomal dominant axonal Charcot-Marie-Tooth (CMT2) and distal hereditary motor neuronopathy type 2B (dHMN2B) (PMID: 15122254, 18832141). It has also been observed to segregate with disease in related individuals. ClinVar contains an entry for this variant (Variation ID: 7478). Invitae Evidence Modeling of protein sequence and biophysical properties (such as structural, functional, and spatial information, amino acid conservation, physicochemical variation, residue mobility, and thermodynamic stability) indicates that this missense variant is expected to disrupt HSPB1 protein function with a positive predictive value of 80%. Experimental studies have shown that this missense change affects HSPB1 function (PMID: 15122254, 17881652). This variant disrupts the p.Ser135 amino acid residue in HSPB1. Other variant(s) that disrupt this residue have been determined to be pathogenic (PMID: 23963299). This suggests that this residue is clinically significant, and that variants that disrupt this residue are likely to be disease-causing. For these reasons, this variant has been classified as Pathogenic.

Athena Diagnostics
Classification: Pathogenic. Last evaluated: 2023-08-15. Review status: criteria provided, single submitter. Criteria: Athena Diagnostics Criteria. Collection method: clinical testing. Allele origin: unknown.
Comment: This variant has not been reported in large, multi-ethnic general populations. This variant segregates with disease in multiple families. Assessment of experimental evidence suggests this variant results in abnormal protein function. (PMID: 15122254, 17881652, 20178975, 21785432)

Blueprint Genetics
Classification: Pathogenic for HSPB1-related disorders. Last evaluated: 2023-01-10. Review status: criteria provided, single submitter. Criteria: ACMG Guidelines, 2015. Collection method: clinical testing. Allele origin: germline. Affected: yes. Observed: 1 variant allele.

3billion
Classification: Pathogenic for Charcot-Marie-Tooth disease axonal type 2F. Last evaluated: 2022-05-22. Review status: criteria provided, single submitter. Criteria: ACMG Guidelines, 2015. Collection method: clinical testing. Allele origin: germline. Affected: yes. Observed: 1 heterozygote.
Comment: The variant is not observed in the gnomAD v2.1.1 dataset. Missense changes are a common disease-causing mechanism. In silico tool predictions suggest damaging effect of the variant on gene or gene product (REVEL: 0.94; 3Cnet: 0.99). Same nucleotide change resulting in same amino acid change has been previously reported as pathogenic/likely pathogenic with strong evidence (ClinVar ID: VCV000007478). Different missense changes at the same codon (p.Ser135Cys, p.Ser135Tyr) have been reported as pathogenic/likely pathogenic with strong evidence (ClinVar ID: VCV000533813, VCV000637060). Therefore, this variant is classified as pathogenic according to the recommendation of ACMG/AMP guideline.

OMIM
Classification: Pathogenic for CHARCOT-MARIE-TOOTH DISEASE, AXONAL, TYPE 2F. Last evaluated: 2008-11-18. Review status: no assertion criteria provided. Collection method: literature only. Allele origin: germline. Not counted in ClinVar's aggregate classification.

OMIM
Classification: Pathogenic for NEURONOPATHY, DISTAL HEREDITARY MOTOR, AUTOSOMAL DOMINANT 3. Last evaluated: 2008-11-18. Review status: no assertion criteria provided. Collection method: literature only. Allele origin: germline. Not counted in ClinVar's aggregate classification.

Inherited Neuropathy Consortium
Classification: Uncertain significance for Charcot-Marie-Tooth disease. Review status: no assertion criteria provided. Collection method: literature only. Allele origin: germline. Affected: yes. Not counted in ClinVar's aggregate classification.

Literature cited by the submitters: PubMed 15122254 (cited by 4 submitters); PubMed 18832141 (cited by 3 submitters); PubMed 17881652 (cited by 3 submitters); PubMed 23963299 (cited by Labcorp Genetics (formerly Invitae), Labcorp); PubMed 11528513 (cited by Athena Diagnostics and OMIM); PubMed 31630804 (cited by Athena Diagnostics); PubMed 28105056 (cited by Athena Diagnostics); PubMed 33943041 (cited by Athena Diagnostics); PubMed 35328016 (cited by Athena Diagnostics); PubMed 28144995 (cited by Athena Diagnostics); PubMed 32334137 (cited by Athena Diagnostics); PubMed 18587268 (cited by Athena Diagnostics); PubMed 24505562 (cited by Athena Diagnostics); PubMed 21785432 (cited by Athena Diagnostics); PubMed 20178975 (cited by Athena Diagnostics).